The following is an entry in ClinVar:

NM_002617.4(PEX10):c.960C>G (p.Ile320Met)

Gene: PEX10 (peroxisomal biogenesis factor 10; minus strand). Cytogenetic location: 1p36.32.
Variant type: single nucleotide variant.
Coding change: c.960C>G on transcript NM_002617.4 (MANE Select); coding-DNA position 960, C replaced by G.
Protein change: p.Ile320Met; replaces isoleucine 320 with methionine.
Molecular consequence: missense variant. On other transcripts: non-coding transcript variant (1).
Genome position (GRCh38, 1-based): chr1:2,405,787, G>C on the plus strand (C>G on the coding strand, the complement: PEX10 is on the minus strand). VCF-style: chr1-2405787-G-C. GRCh37 (hg19) VCF-style: chr1-2337226-G-C.
Other names: c.1017C>G, p.Ile339Met (NM_001374425.1); c.585C>G, p.Ile195Met (NM_001374426.1); c.528C>G, p.Ile176Met (NM_001374427.1); c.1020C>G, p.Ile340Met (NM_153818.2); c.1020C>G (NM_153818.1); short protein forms I195M, I320M, I176M, I339M, I340M.
Identifiers: ClinVar variation 1448457 (VCV001448457.6), dbSNP rs371260973, ClinGen allele CA537945.

ClinVar aggregate classification (germline): Uncertain significance. Review status: criteria provided, multiple submitters, no conflicts (2 of 4 stars). 2 submissions from 2 submitters: Uncertain significance (2). Last evaluated 2024-10-22.

Conditions:
Peroxisome biogenesis disorder, complementation group 7 (CG7). Also called: Peroxisome biogenesis disorder, complementation group B. Identifiers: MedGen C1864399.
PEX10-related disorder. Also called: PEX10-related condition.

Allele frequency attached by ClinVar (database versions not stated): gnomAD exomes below 0.00001 and 0.00002; ExAC 0.00002; gnomAD 0.00004 and 0.00005; TOPMed 0.00006; ESP Exome Variant Server 0.00008.
gnomAD v4.1: 11 of 1,603,740 alleles (0.00069%); highest among the groups gnomAD compares: African/African-American, 0.013%; no homozygotes.

Submissions (2):

Labcorp Genetics (formerly Invitae), Labcorp
Classification: Uncertain significance for Peroxisome biogenesis disorder, complementation group 7. Last evaluated: 2024-10-22. Review status: criteria provided, single submitter. Criteria: Invitae Variant Classification Sherloc (09022015). Collection method: clinical testing. Allele origin: germline.
Comment: This sequence change replaces isoleucine, which is neutral and non-polar, with methionine, which is neutral and non-polar, at codon 340 of the PEX10 protein (p.Ile340Met). This variant is present in population databases (rs371260973, gnomAD 0.03%). This variant has not been reported in the literature in individuals affected with PEX10-related conditions. ClinVar contains an entry for this variant (Variation ID: 1448457). An algorithm developed to predict the effect of missense changes on protein structure and function (PolyPhen-2) suggests that this variant¬†is likely to be tolerated. In summary, the available evidence is currently insufficient to determine the role of this variant in disease. Therefore, it has been classified as a Variant of Uncertain Significance.

PreventionGenetics, part of Exact Sciences
Classification: Uncertain significance for PEX10-related condition. Last evaluated: 2022-12-21. Review status: criteria provided, single submitter. Criteria: ACMG Guidelines, 2015. Collection method: clinical testing. Allele origin: germline.
Comment: The PEX10 c.1020C>G variant is predicted to result in the amino acid substitution p.Ile340Met. To our knowledge, this variant has not been reported in the literature. This variant is reported in 0.022% of alleles in individuals of African descent in gnomAD. At this time, the clinical significance of this variant is uncertain due to the absence of conclusive functional and genetic evidence.